The following is an entry in ClinVar:

NM_002474.3(MYH11):c.292G>A (p.Glu98Lys)

Gene: MYH11 (myosin heavy chain 11; minus strand). Cytogenetic location: 16p13.11.
Variant type: single nucleotide variant.
Coding change: c.292G>A on transcript NM_002474.3 (MANE Select); coding-DNA position 292, G replaced by A.
Protein change: p.Glu98Lys; replaces glutamic acid 98 with lysine.
Molecular consequence: missense variant.
Genome position (GRCh38, 1-based): chr16:15,837,961, C>T on the plus strand (G>A on the coding strand, the complement: MYH11 is on the minus strand). VCF-style: chr16-15837961-C-T. GRCh37 (hg19) VCF-style: chr16-15931818-C-T.
Other names: c.292G>A, p.Glu98Lys (NM_001040113.2, NM_001040114.2, NM_022844.3); short protein forms E98K.
Identifiers: ClinVar variation 925584 (VCV000925584.23), dbSNP rs773587055, ClinGen allele CA278998941.
Genomic context (GRCh38, chr16:15,837,961, plus strand): 5'-TACTCACATATATTAGCCCTGAGAAGTACCGCTCCCTCAGGTTGTGTAGCACGGAGGCTT[C>T]GTTGAGGCACGTCAGCTCCGCCATGTCCTCCACCTTGGAGAACTTGGGTGGGTTCATCTT-3'
Protein context (NP_002465.1, residues 88-108): EDMAELTCLN[Glu98Lys]ASVLHNLRER

ClinVar aggregate classification (germline): Uncertain significance. Review status: criteria provided, multiple submitters, no conflicts (2 of 4 stars). 6 submissions from 6 submitters: Uncertain significance (6). Last evaluated 2025-08-02.

Conditions:
Familial thoracic aortic aneurysm and aortic dissection (TAAD). Also called: Thoracic aortic aneurysms and dissections. Identifiers: Orphanet 91387, MedGen C4707243, MONDO:0019625.
Aortic aneurysm, familial thoracic 4 (AAT4). Also called: AORTIC ANEURYSM/AORTIC DISSECTION AND PATENT DUCTUS ARTERIOSUS. Identifiers: MedGen C1851504, MONDO:0007568, OMIM 132900.

Allele frequency attached by ClinVar (database versions not stated): gnomAD exomes 0.00001; TOPMed 0.00002; gnomAD 0.00004.

Submissions (6):

Ambry Genetics
Classification: Uncertain significance for Familial thoracic aortic aneurysm and aortic dissection. Last evaluated: 2025-08-02. Review status: criteria provided, single submitter. Criteria: Ambry Variant Classification Scheme 2023. Collection method: clinical testing. Allele origin: germline.

Color Diagnostics, LLC DBA Color Health
Classification: Uncertain significance for Familial thoracic aortic aneurysm and aortic dissection. Last evaluated: 2025-07-11. Review status: criteria provided, single submitter. Criteria: ACMG Guidelines, 2015. Collection method: clinical testing. Allele origin: germline.
Comment: This missense variant replaces glutamic acid with lysine at codon 98 of the MYH11 protein. Computational prediction suggests that this variant may have a deleterious impact on protein structure and function. To our knowledge, functional studies have not been reported for this variant. This variant has not been reported in individuals affected with MYH11-related disorders in the literature. This variant has been identified in 4/282842 chromosomes in the general population by the Genome Aggregation Database (gnomAD). The available evidence is insufficient to determine the role of this variant in disease conclusively. Therefore, this variant is classified as a Variant of Uncertain Significance.

Labcorp Genetics (formerly Invitae), Labcorp
Classification: Uncertain significance for Aortic aneurysm, familial thoracic 4. Last evaluated: 2025-01-14. Review status: criteria provided, single submitter. Criteria: Invitae Variant Classification Sherloc (09022015). Collection method: clinical testing. Allele origin: germline.
Comment: This sequence change replaces glutamic acid, which is acidic and polar, with lysine, which is basic and polar, at codon 98 of the MYH11 protein (p.Glu98Lys). This variant is present in population databases (rs773587055, gnomAD 0.004%). This variant has not been reported in the literature in individuals affected with MYH11-related conditions. ClinVar contains an entry for this variant (Variation ID: 925584). Invitae Evidence Modeling of protein sequence and biophysical properties (such as structural, functional, and spatial information, amino acid conservation, physicochemical variation, residue mobility, and thermodynamic stability) has been performed for this missense variant. However, the output from this modeling did not meet the statistical confidence thresholds required to predict the impact of this variant on MYH11 protein function. In summary, the available evidence is currently insufficient to determine the role of this variant in disease. Therefore, it has been classified as a Variant of Uncertain Significance.

GeneDx
Classification: Uncertain significance. Last evaluated: 2024-03-20. Review status: criteria provided, single submitter. Criteria: GeneDx Variant Classification Process June 2021. Collection method: clinical testing. Allele origin: germline. Affected: yes.
Comment: Has not been previously published as pathogenic or benign to our knowledge; Not observed at significant frequency in large population cohorts (gnomAD); In silico analysis supports that this missense variant has a deleterious effect on protein structure/function; This variant is associated with the following publications: (PMID: 26582918)

All of Us Research Program, National Institutes of Health
Classification: Uncertain significance for Familial thoracic aortic aneurysm and aortic dissection. Last evaluated: 2023-12-15. Review status: criteria provided, single submitter. Criteria: ACMG Guidelines, 2015. Collection method: clinical testing. Allele origin: germline. Inheritance: Autosomal dominant inheritance. Observed: 11 variant alleles, 11 heterozygotes.
Comment: This missense variant replaces glutamic acid with lysine at codon 98 of the MYH11 protein. Computational prediction suggests that this variant may have deleterious impact on protein structure and function (internally defined REVEL score threshold >= 0.7, PMID: 27666373). To our knowledge, functional studies have not been reported for this variant. This variant has not been reported in individuals affected with cardiovascular disorders in the literature. This variant has been identified in 4/282842 chromosomes in the general population by the Genome Aggregation Database (gnomAD). The available evidence is insufficient to determine the role of this variant in disease conclusively. Therefore, this variant is classified as a Variant of Uncertain Significance.

This study involves interpretation of variants in research participants for the purpose of population health screening. Participant phenotype was not available at the time of variant classification. Additional details can be found in publication PMID: 35346344, PMCID: PMC8962531

AiLife Diagnostics
Classification: Uncertain significance. Last evaluated: 2022-02-21. Review status: criteria provided, single submitter. Criteria: ACMG Guidelines, 2015. Collection method: clinical testing. Allele origin: germline. Affected: yes. Observed: 3 variant alleles.